The following is an entry in ClinVar:

NM_000055.4(BCHE):c.777G>A (p.Trp259Ter)

Gene: BCHE (butyrylcholinesterase; minus strand). Cytogenetic location: 3q26.1.
Variant type: single nucleotide variant.
Coding change: c.777G>A on transcript NM_000055.4 (MANE Select); coding-DNA position 777, G replaced by A.
Protein change: p.Trp259Ter; replaces tryptophan 259 with a stop codon.
Molecular consequence: nonsense. On other transcripts: non-coding transcript variant (1).
Genome position (GRCh38, 1-based): chr3:165,830,257, C>T on the plus strand (G>A on the coding strand, the complement: BCHE is on the minus strand). VCF-style: chr3-165830257-C-T. GRCh37 (hg19) VCF-style: chr3-165548045-C-T.
Other names: short protein forms W259*.
Identifiers: ClinVar variation 2682418 (VCV002682418.1), dbSNP rs2473426112, ClinGen allele CA355112096.

ClinVar aggregate classification (germline): Pathogenic (1 of 4 stars; one submission).

Conditions:
Deficiency of butyrylcholinesterase (BCHED). Also called: Butyrylcholinesterase deficiency; BCHE, silent 1; Acholinesterasemia; Deficiency of butyrylcholine esterase. Identifiers: Orphanet 132, MedGen C1283400, MONDO:0015270, OMIM 617936.

Submission:

Women's Health and Genetics/Laboratory Corporation of America, LabCorp
Classification: Pathogenic for Deficiency of butyrylcholinesterase. Last evaluated: 2023-11-02. Review status: criteria provided, single submitter. Criteria: LabCorp Variant Classification Summary - May 2015. Collection method: clinical testing. Allele origin: germline.
Comment: Variant summary: BCHE c.777G>A (p.Trp259X) results in a premature termination codon, predicted to cause a truncation of the encoded protein or absence of the protein due to nonsense mediated decay, which are commonly known mechanisms for disease. Variants downstream of this position have been classified as pathogenic by our laboratory. The variant was absent in 250892 control chromosomes (gnomAD). To our knowledge, no occurrence of c.777G>A in individuals affected with Deficiency Of Butyrylcholine Esterase and no experimental evidence demonstrating its impact on protein function have been reported. No submitters have cited clinical-significance assessments for this variant to ClinVar after 2014. Based on the evidence outlined above, the variant was classified as pathogenic.